The following is an entry in ClinVar:

ClinVar aggregate classification (germline): Uncertain significance. Review status: criteria provided, multiple submitters, no conflicts (2 of 4 stars). 2 submissions from 2 submitters: Uncertain significance (2). Last evaluated 2025-10-22.

Conditions:
Inborn genetic diseases. Identifiers: MedGen C0950123, MeSH D030342.
Singleton-Merten syndrome 1 (SGMRT1). Also called: Widened medullary cavities of bone, aortic calcification, abnormal dentition, and muscular weakness; Syndrome of widened medullary cavities of the metacarpals and phalanges, aortic calcification and abnormal dentition. Identifiers: Orphanet 85191, MedGen C4225427, MONDO:0024535, OMIM 182250.
Aicardi-Goutieres syndrome 7 (AGS7). Identifiers: Orphanet 51, MedGen C3888244, MONDO:0014367, OMIM 615846.

Allele frequency attached by ClinVar (database versions not stated): gnomAD exomes below 0.00001; TOPMed below 0.00001; ExAC 0.00001.

Submissions (2):

Ambry Genetics
Classification: Uncertain significance for Inborn genetic diseases. Last evaluated: 2025-10-22. Review status: criteria provided, single submitter. Criteria: Ambry Variant Classification Scheme 2023. Collection method: clinical testing. Allele origin: germline.

Labcorp Genetics (formerly Invitae), Labcorp
Classification: Uncertain significance for Aicardi-Goutieres syndrome 7; Singleton-Merten syndrome 1. Last evaluated: 2023-12-19. Review status: criteria provided, single submitter. Criteria: Invitae Variant Classification Sherloc (09022015). Collection method: clinical testing. Allele origin: germline.
Comment: This sequence change replaces threonine, which is neutral and polar, with isoleucine, which is neutral and non-polar, at codon 65 of the IFIH1 protein (p.Thr65Ile). This variant is present in population databases (rs781033192, gnomAD 0.0009%). This variant has not been reported in the literature in individuals affected with IFIH1-related conditions. Algorithms developed to predict the effect of missense changes on protein structure and function output the following: SIFT: "Not Available"; PolyPhen-2: "Benign"; Align-GVGD: "Not Available". The isoleucine amino acid residue is found in multiple mammalian species, which suggests that this missense change does not adversely affect protein function. In summary, the available evidence is currently insufficient to determine the role of this variant in disease. Therefore, it has been classified as a Variant of Uncertain Significance.

NM_022168.4(IFIH1):c.194C>T (p.Thr65Ile)

Gene: IFIH1 (interferon induced with helicase C domain 1; minus strand). Cytogenetic location: 2q24.2.
Variant type: single nucleotide variant.
Coding change: c.194C>T on transcript NM_022168.4 (MANE Select); coding-DNA position 194, C replaced by T.
Protein change: p.Thr65Ile; replaces threonine 65 with isoleucine.
Molecular consequence: missense variant.
Genome position (GRCh38, 1-based): chr2:162,318,114, G>A on the plus strand (C>T on the coding strand, the complement: IFIH1 is on the minus strand). VCF-style: chr2-162318114-G-A. GRCh37 (hg19) VCF-style: chr2-163174624-G-A.
Other names: c.194C>T (NM_022168.2); short protein forms T65I.
Identifiers: ClinVar variation 2942245 (VCV002942245.4), dbSNP rs781033192, ClinGen allele CA1934882.